The following is an entry in ClinVar:

ClinVar aggregate classification (germline): Uncertain significance (1 of 4 stars; one submission).

Conditions:
Short-rib thoracic dysplasia 14 with polydactyly (SRTD14). Identifiers: Orphanet 397715, MedGen C4225286, MONDO:0014688, OMIM 616546.
Joubert syndrome 23 (JBTS23). Identifiers: Orphanet 475, MedGen C4084822, MONDO:0014664, OMIM 616490.

Submission:

Labcorp Genetics (formerly Invitae), Labcorp
Classification: Uncertain significance for Joubert syndrome 23; Short-rib thoracic dysplasia 14 with polydactyly. Last evaluated: 2022-08-11. Review status: criteria provided, single submitter. Criteria: Invitae Variant Classification Sherloc (09022015). Collection method: clinical testing. Allele origin: germline.
Comment: This sequence change creates a premature translational stop signal (p.Leu1629Phefs*2) in the KIAA0586 gene. While this is not anticipated to result in nonsense mediated decay, it is expected to disrupt the last 16 amino acid(s) of the KIAA0586 protein. This variant is not present in population databases (gnomAD no frequency). This variant has not been reported in the literature in individuals affected with KIAA0586-related conditions. Experimental studies and prediction algorithms are not available or were not evaluated, and the functional significance of this variant is currently unknown. In summary, the available evidence is currently insufficient to determine the role of this variant in disease. Therefore, it has been classified as a Variant of Uncertain Significance.

NM_001329943.3(KIAA0586):c.4641del (p.Phe1548fs)

Gene: KIAA0586 (KIAA0586; plus strand). Cytogenetic location: 14q23.1.
Variant type: Deletion.
Coding change: c.4641del on transcript NM_001329943.3 (MANE Select); coding-DNA position 4641, one base deleted (C; older notation c.4641delC).
Protein change: p.Phe1548fs; shifts the reading frame from phenylalanine 1548.
Molecular consequence: frameshift variant.
Genome position (GRCh38, 1-based): chr14:58,547,926, C deleted; the last of 2 consecutive C bases (chr14:58,547,925-58,547,926); deleting either gives the same sequence. VCF-style (leftmost placement, unchanged base first): chr14-58547924-AC-A. GRCh37 (hg19) VCF-style: chr14-59014642-AC-A.
Other names: c.4885del, p.Leu1629fs (NM_001244189.2); c.4596del, p.Phe1533fs (NM_001244190.2); c.4386del, p.Phe1463fs (NM_001244191.2, NM_001364701.2); c.4509del, p.Phe1504fs (NM_001244192.2, NM_001329947.2); c.4726del, p.Leu1576fs (NM_001329944.2); c.4320del, p.Phe1441fs (NM_001329945.2); c.4575del, p.Phe1526fs (NM_001329946.2); c.4413del, p.Phe1472fs (NM_014749.5); short protein forms F1526fs, F1533fs, F1441fs, F1504fs, F1463fs, L1629fs, F1472fs, F1548fs.
Identifiers: ClinVar variation 2023562 (VCV002023562.4), dbSNP rs2544645416, ClinGen allele CA2580088284.